The following is an entry in ClinVar:

NM_000465.4(BARD1):c.246A>G (p.Gly82=)

Gene: BARD1 (BRCA1 associated RING domain 1; minus strand). Cytogenetic location: 2q35.
Variant type: single nucleotide variant.
Coding change: c.246A>G on transcript NM_000465.4 (MANE Select); coding-DNA position 246, A replaced by G.
Protein change: p.Gly82=; no amino-acid change (glycine 82 retained).
Molecular consequence: synonymous variant. On other transcripts: non-coding transcript variant (1), intron variant (2).
Genome position (GRCh38, 1-based): chr2:214,792,415, T>C on the plus strand (A>G on the coding strand, the complement: BARD1 is on the minus strand). VCF-style: chr2-214792415-T-C. GRCh37 (hg19) VCF-style: chr2-215657139-T-C.
Other names: c.246A>G (NM_000465.2); c.189A>G, p.Gly63= (NM_001282543.2); c.246A>G, p.Gly82= (NM_001282549.2); c.158+16997A>G (NM_001282548.2); c.215+4646A>G (NM_001282545.2).
Identifiers: ClinVar variation 2096031 (VCV002096031.6), dbSNP rs1695565956, ClinGen allele CA431142224.

ClinVar aggregate classification (germline): Benign/Likely benign. Review status: criteria provided, multiple submitters, no conflicts (2 of 4 stars). 3 submissions from 3 submitters: Benign (1); Likely benign (2). Last evaluated 2026-07-13.

Conditions:
Hereditary cancer-predisposing syndrome. Also called: Tumor predisposition; Hereditary Cancer Syndrome; Hereditary neoplastic syndrome; Neoplastic Syndromes, Hereditary. Identifiers: Orphanet 140162, MedGen C0027672, MeSH D009386, MONDO:0015356.
Familial cancer of breast. Also called: Hereditary breast cancer; BREAST CANCER, FAMILIAL; hereditary breast carcinoma. Identifiers: Orphanet 227535, MedGen C0346153, MONDO:0016419, OMIM 114480. Disease mechanism: loss of function.

Submissions (3):

Ambry Genetics
Classification: Likely benign for Hereditary cancer-predisposing syndrome. Last evaluated: 2026-07-13. Review status: criteria provided, single submitter. Criteria: Ambry Variant Classification Scheme 2023. Collection method: clinical testing. Allele origin: germline.

Labcorp Genetics (formerly Invitae), Labcorp
Classification: Likely benign for Familial cancer of breast. Last evaluated: 2025-12-09. Review status: criteria provided, single submitter. Criteria: Invitae Variant Classification Sherloc (09022015). Collection method: clinical testing. Allele origin: germline.

Myriad Genetics, Inc.
Classification: Benign for Familial cancer of breast. Last evaluated: 2024-07-19. Review status: criteria provided, single submitter. Criteria: Myriad Autosomal Dominant, Autosomal Recessive and X-Linked Classification Criteria (2023). Collection method: clinical testing. Allele origin: unknown.
Comment: This variant is considered benign. This variant is a silent/synonymous amino acid change and it is not expected to impact splicing.